The following is an entry in ClinVar:

ClinVar aggregate classification (germline): Pathogenic (1 of 4 stars; one submission).

Conditions:
Neurofibromatosis, type 1 (NF1). Also called: NEUROFIBROMATOSIS, TYPE I, SOMATIC; Neurofibromatosis, type I; Peripheral type neurofibromatosis; VON RECKLINGHAUSEN DISEASE. Identifiers: Orphanet 636, MedGen C0027831, MONDO:0018975, OMIM 162200. Disease mechanism: loss of function.

Submission:

Labcorp Genetics (formerly Invitae), Labcorp
Classification: Pathogenic for Neurofibromatosis, type 1. Last evaluated: 2025-01-01. Review status: criteria provided, single submitter. Criteria: Invitae Variant Classification Sherloc (09022015). Collection method: clinical testing. Allele origin: germline.
Comment: This sequence change creates a premature translational stop signal (p.Leu2369Trpfs*6) in the NF1 gene. It is expected to result in an absent or disrupted protein product. Loss-of-function variants in NF1 are known to be pathogenic (PMID: 10712197, 23913538). This variant is not present in population databases (gnomAD no frequency). This variant has not been reported in the literature in individuals affected with NF1-related conditions. ClinVar contains an entry for this variant (Variation ID: 2017947). For these reasons, this variant has been classified as Pathogenic.

Literature cited by the submitters: PubMed 10712197; PubMed 23913538.

NM_001042492.3(NF1):c.7167del (p.Leu2390fs)

Gene: NF1 (neurofibromin 1; plus strand). Cytogenetic location: 17q11.2.
Variant type: Deletion.
Coding change: c.7167del on transcript NM_001042492.3 (MANE Select); coding-DNA position 7167, one base deleted (A; older notation c.7167delA).
Protein change: p.Leu2390fs; shifts the reading frame from leucine 2390.
Molecular consequence: frameshift variant.
Genome position (GRCh38, 1-based): chr17:31,343,113, A deleted. VCF-style (leftmost placement, unchanged base first): chr17-31343112-CA-C. GRCh37 (hg19) VCF-style: chr17-29670130-CA-C.
Other names: c.7104delA, p.Leu2369Trpfs (NM_000267.4); short protein forms L2369fs, L2390fs.
Identifiers: ClinVar variation 2017947 (VCV002017947.4), dbSNP rs2508780232, ClinGen allele CA2580093269.
Genomic context (GRCh38, chr17:31,343,112, plus strand): 5'-GGCACTGCAAGCAAATGGATCATTTTGTTGGACTCAATTTCAACTCTAACTTTAACTTTG[CA>C]TTGGTTGGACACCTTTTAAAAGGTAAAAAAGCCTTATTTAGAATATTTTTATGAAGTACT-3'